The following is an entry in ClinVar:

ClinVar aggregate classification (germline): Uncertain significance (1 of 4 stars; one submission).

Conditions:
Inborn genetic diseases. Identifiers: MedGen C0950123, MeSH D030342.

Submission:

Ambry Genetics
Classification: Uncertain significance for Inborn genetic diseases. Last evaluated: 2026-03-03. Review status: criteria provided, single submitter. Criteria: Ambry Variant Classification Scheme 2023. Collection method: clinical testing. Allele origin: germline.
Comment: The p.S445R variant (also known as c.1335C>G), located in coding exon 7 of the RECQL4 gene, results from a C to G substitution at nucleotide position 1335. The serine at codon 445 is replaced by arginine, an amino acid with dissimilar properties. This amino acid position is conserved. In addition, this alteration is predicted to be tolerated by in silico analysis. Based on the available evidence, the clinical significance of this variant remains unclear.

NM_004260.4(RECQL4):c.1335C>G (p.Ser445Arg)

Gene: RECQL4 (RecQ like helicase 4; minus strand). Cytogenetic location: 8q24.3.
Variant type: single nucleotide variant.
Coding change: c.1335C>G on transcript NM_004260.4 (MANE Select); coding-DNA position 1335, C replaced by G.
Protein change: p.Ser445Arg; replaces serine 445 with arginine.
Molecular consequence: missense variant. On other transcripts: 5 prime UTR variant (1), non-coding transcript variant (3).
Genome position (GRCh38, 1-based): chr8:144,515,381, G>C on the plus strand (C>G on the coding strand, the complement: RECQL4 is on the minus strand). VCF-style: chr8-144515381-G-C. GRCh37 (hg19) VCF-style: chr8-145740765-G-C.
Other names: c.264C>G, p.Ser88Arg (NM_001413037.1, NM_001413038.1, NM_001413040.1 and 8 more transcripts); c.1335C>G, p.Ser445Arg (NM_001413039.1, NM_001413018.1, NM_001413019.1 and 2 more transcripts); c.198C>G, p.Ser66Arg (NM_001413041.1, NM_001413027.1, NM_001413030.1 and 2 more transcripts); c.-133C>G (NM_001413043.1); c.1239C>G, p.Ser413Arg (NM_001413017.1, NM_001413020.1); c.1206C>G, p.Ser402Arg (NM_001413025.1); c.984C>G, p.Ser328Arg (NM_001413029.1); short protein forms S402R, S413R, S88R, S328R, S445R, S66R.
Identifiers: ClinVar variation 4825866 (VCV004825866.1).